The following is an entry in ClinVar:

ClinVar aggregate classification (germline): Pathogenic (1 of 4 stars; one submission).

Conditions:
Polycystic kidney disease, adult type (PKD1). Also called: Polycystic Kidney, Autosomal Dominant; POLYCYSTIC KIDNEY DISEASE 1 WITH OR WITHOUT POLYCYSTIC LIVER DISEASE; POLYCYSTIC KIDNEY DISEASE, ADULT, TYPE I; Polycystic Kidney Disease 1, Autosomal Dominant; Polycystic kidney disease 1; Polycystic kidney disease 1, severe. Identifiers: MedGen C3149841, MONDO:0008263, OMIM 173900.

Submission:

Juno Genomics, Hangzhou Juno Genomics, Inc
Classification: Pathogenic for Polycystic kidney disease, adult type. Review status: criteria provided, single submitter. Criteria: ACMG Guidelines, 2015. Collection method: clinical testing. Allele origin: germline. Affected: yes.
Comment: Null variant in a gene where loss of function (LOF) is a known mechanism of disease.;Absent from controls (or at extremely low frequency if recessive) in Genome Aggregation Database, Exome Sequencing Project, 1000 Genomes Project, or Exome Aggregation Consortium.;Patient's phenotype or family history is highly specific for a disease with a single genetic etiology.

NM_001009944.3(PKD1):c.11711C>A (p.Ser3904Ter)

Gene: PKD1 (polycystin 1, transient receptor potential channel interacting; minus strand). Cytogenetic location: 16p13.3.
Variant type: single nucleotide variant.
Coding change: c.11711C>A on transcript NM_001009944.3 (MANE Select); coding-DNA position 11711, C replaced by A.
Protein change: p.Ser3904Ter; replaces serine 3904 with a stop codon.
Molecular consequence: nonsense.
Genome position (GRCh38, 1-based): chr16:2,091,424, G>T on the plus strand (C>A on the coding strand, the complement: PKD1 is on the minus strand). VCF-style: chr16-2091424-G-T. GRCh37 (hg19) VCF-style: chr16-2141425-G-T.
Other names: c.11708C>A, p.Ser3903Ter (NM_000296.4); short protein forms S3904*, S3903*.
Identifiers: ClinVar variation 3335833 (VCV003335833.2).
Genomic context (GRCh38, chr16:2,091,424, plus strand): 5'-CGCGAGGGGGCGGGACGCTGCCGGTGGGAGGCGCGGGGTCTGGCCGGGGACGGGCGTACC[G>T]AGGTGAGCAGAGGCAGCGAGAGGCCCGCGCTGAGGCGGCGCAGCGCAAAGGGGCGGACGC-3'